The following is an entry in ClinVar:

ClinVar aggregate classification (germline): Uncertain significance (1 of 4 stars; one submission).

gnomAD v4.1: 14 of 1,613,466 alleles (0.00087%); highest among the groups gnomAD compares: South Asian, 0.0077%; no homozygotes.

Submission:

Labcorp Genetics (formerly Invitae), Labcorp
Classification: Uncertain significance. Last evaluated: 2025-10-02. Review status: criteria provided, single submitter. Criteria: Invitae Variant Classification Sherloc (09022015). Collection method: clinical testing. Allele origin: germline.
Comment: This sequence change replaces arginine, which is basic and polar, with tryptophan, which is neutral and slightly polar, at codon 572 of the DSCAML1 protein (p.Arg572Trp). The frequency data for this variant in the population databases is considered unreliable, as metrics indicate poor data quality at this position in the gnomAD database. This variant has not been reported in the literature in individuals affected with DSCAML1-related conditions. ClinVar contains an entry for this variant (Variation ID: 3715653). An algorithm developed to predict the effect of missense changes on protein structure and function (PolyPhen-2) suggests that this variant is likely to be disruptive. In summary, the available evidence is currently insufficient to determine the role of this variant in disease. Therefore, it has been classified as a Variant of Uncertain Significance.

NM_020693.4(DSCAML1):c.1534C>T (p.Arg512Trp)

Gene: DSCAML1 (DS cell adhesion molecule like 1; minus strand). Cytogenetic location: 11q23.3.
Variant type: single nucleotide variant.
Coding change: c.1534C>T on transcript NM_020693.4 (MANE Select); coding-DNA position 1534, C replaced by T.
Protein change: p.Arg512Trp; replaces arginine 512 with tryptophan.
Molecular consequence: missense variant.
Genome position (GRCh38, 1-based): chr11:117,516,716, G>A on the plus strand (C>T on the coding strand, the complement: DSCAML1 is on the minus strand). VCF-style: chr11-117516716-G-A. GRCh37 (hg19) VCF-style: chr11-117387431-G-A.
Other names: c.1534C>T, p.Arg512Trp (NM_001367904.1); short protein forms R512W.
Identifiers: ClinVar variation 3715653 (VCV003715653.2).